The following is an entry in ClinVar:

ClinVar aggregate classification (germline): Pathogenic (1 of 4 stars; one submission).

Conditions:
Hereditary cancer-predisposing syndrome. Also called: Hereditary Cancer Syndrome; Hereditary neoplastic syndrome; Neoplastic Syndromes, Hereditary; Tumor predisposition. Identifiers: Orphanet 140162, MedGen C0027672, MeSH D009386, MONDO:0015356.

Submission:

Sema4
Classification: Pathogenic for Hereditary cancer-predisposing syndrome. Last evaluated: 2021-03-25. Review status: criteria provided, single submitter. Criteria: Sema4 Curation Guidelines. Collection method: curation. Allele origin: germline.
Comment: To the best of our knowledge, the STK11 c.179_180insAA (p.Y60X) variant has not been reported in individuals with STK11-related disease. However, several variants resulting in the same amino acid change have been reported in individuals with Peutz-Jeghers syndrome and associated cancers (e.g., c.180C>A (p.Y60X), c.180C>G (p.Y60X); PMID: 22679258, 10353780, 9428765, among others). This nonsense variant creates a premature stop codon at residue 60 of the STK11 protein. At this location, nonsense-mediated decay is predicted to occur, resulting in a loss of gene function. Loss of function variants in STK11 are known to be pathogenic (PMID: 28900777). This variant is not reported in the population database Genome Aggregation Database (PMID: 32461654) and has not been reported in ClinVar. Based on the current evidence available, this variant is interpreted as pathogenic.

Literature cited by the submitters: PubMed 22679258; PubMed 10353780; PubMed 9428765.

NM_000455.5(STK11):c.179_180insAA (p.Tyr60Ter)

Gene: STK11 (serine/threonine kinase 11; plus strand). Cytogenetic location: 19p13.3.
Variant type: Insertion.
Coding change: c.179_180insAA on transcript NM_000455.5 (MANE Select); coding-DNA positions 179 to 180, AA inserted.
Protein change: p.Tyr60Ter; replaces tyrosine 60 with a stop codon.
Molecular consequence: nonsense.
Genome position: GRCh38 VCF-style: chr19-1207091-T-TAA. GRCh37 (hg19) VCF-style: chr19-1207090-T-TAA.
Other names: short protein forms Y60*.
Identifiers: ClinVar variation 1692440 (VCV001692440.1), dbSNP rs876661012, ClinGen allele CA2573155839.
Genomic context (GRCh38, chr19:1,207,091, plus strand): 5'-CGCAAGCGGGCCAAGCTCATCGGCAAGTACCTGATGGGGGACCTGCTGGGGGAAGGCTCT[T>TAA]ACGGCAAGGTGAAGGAGGTGCTGGACTCGGAGACGCTGTGCAGGAGGGCCGTCAAGATCC-3'